The following is an entry in ClinVar:

ClinVar aggregate classification (germline): Uncertain significance (1 of 4 stars; one submission).

Conditions:
Acute myeloid leukemia (AML). Also called: Leukemia, acute myeloid, somatic; Leukemia, acute myelogenous, somatic; Acute myeloid leukemia, adult; AML adult; Acute non-lymphocytic leukemia; Acute granulocytic leukemia. Identifiers: Orphanet 519, MedGen C0023467, MeSH D015470, MONDO:0018874, OMIM 601626, HP:0004808. Disease mechanism: Constitutively activated FLT3.

Submission:

Labcorp Genetics (formerly Invitae), Labcorp
Classification: Uncertain significance for Acute myeloid leukemia. Last evaluated: 2021-08-12. Review status: criteria provided, single submitter. Criteria: Invitae Variant Classification Sherloc (09022015). Collection method: clinical testing. Allele origin: germline.
Comment: This variant is not present in population databases (ExAC no frequency). This sequence change replaces aspartic acid with tyrosine at codon 279 of the CEBPA protein (p.Asp279Tyr). The aspartic acid residue is highly conserved and there is a large physicochemical difference between aspartic acid and tyrosine. This variant has not been reported in the literature in individuals affected with CEBPA-related conditions. In summary, the available evidence is currently insufficient to determine the role of this variant in disease. Therefore, it has been classified as a Variant of Uncertain Significance. Algorithms developed to predict the effect of missense changes on protein structure and function (SIFT, PolyPhen-2, Align-GVGD) all suggest that this variant is likely to be disruptive.

NM_004364.5(CEBPA):c.835G>T (p.Asp279Tyr)

Gene: CEBPA (CCAAT enhancer binding protein alpha; minus strand). Cytogenetic location: 19q13.11.
Variant type: single nucleotide variant.
Coding change: c.835G>T on transcript NM_004364.5 (MANE Select); coding-DNA position 835, G replaced by T.
Protein change: p.Asp279Tyr; replaces aspartic acid 279 with tyrosine.
Molecular consequence: missense variant.
Genome position (GRCh38, 1-based): chr19:33,301,580, C>A on the plus strand (G>T on the coding strand, the complement: CEBPA is on the minus strand). VCF-style: chr19-33301580-C-A. GRCh37 (hg19) VCF-style: chr19-33792486-C-A.
Other names: c.478G>T, p.Asp160Tyr (NM_001285829.2); c.940G>T, p.Asp314Tyr (NM_001287424.2); c.793G>T, p.Asp265Tyr (NM_001287435.2); short protein forms D160Y, D265Y, D314Y, D279Y.
Identifiers: ClinVar variation 1390591 (VCV001390591.6), dbSNP rs1967166324, ClinGen allele CA405274115.